The following is an entry in ClinVar:

ClinVar aggregate classification (germline): Uncertain significance (1 of 4 stars; one submission).

Conditions:
Arrhythmogenic right ventricular dysplasia 8 (ARVD8). Also called: Arrhythmogenic Right Ventricular Dysplasia/Cardiomyopathy 8; ARRHYTHMOGENIC RIGHT VENTRICULAR DYSPLASIA, FAMILIAL, 8; ARRHYTHMOGENIC RIGHT VENTRICULAR CARDIOMYOPATHY 8. Identifiers: MedGen C1843896, MONDO:0011831, OMIM 607450.
Arrhythmogenic cardiomyopathy with wooly hair and keratoderma. Also called: Arrhythmogenic cardiomyopathy with woolly hair and keratoderma; PALMOPLANTAR KERATODERMA WITH LEFT VENTRICULAR CARDIOMYOPATHY AND WOOLLY HAIR; Carvajal syndrome; Dilated cardiomyopathy with woolly hair and keratoderma. Identifiers: Orphanet 65282, MedGen C1854063, MONDO:0011581, OMIM 605676.

Submission:

Labcorp Genetics (formerly Invitae), Labcorp
Classification: Uncertain significance for Arrhythmogenic cardiomyopathy with wooly hair and keratoderma; Arrhythmogenic right ventricular dysplasia 8. Last evaluated: 2025-10-14. Review status: criteria provided, single submitter. Criteria: Invitae Variant Classification Sherloc (09022015). Collection method: clinical testing. Allele origin: germline.
Comment: This sequence change replaces serine, which is neutral and polar, with threonine, which is neutral and polar, at codon 716 of the DSP protein (p.Ser716Thr). This variant is not present in population databases (gnomAD no frequency). This variant has not been reported in the literature in individuals affected with DSP-related conditions. An algorithm developed to predict the effect of missense changes on protein structure and function (PolyPhen-2) suggests that this variant is likely to be tolerated. In summary, the available evidence is currently insufficient to determine the role of this variant in disease. Therefore, it has been classified as a Variant of Uncertain Significance.

NM_004415.4(DSP):c.2146T>A (p.Ser716Thr)

Gene: DSP (desmoplakin; plus strand). Cytogenetic location: 6p24.3.
Variant type: single nucleotide variant.
Coding change: c.2146T>A on transcript NM_004415.4 (MANE Select); coding-DNA position 2146, T replaced by A.
Protein change: p.Ser716Thr; replaces serine 716 with threonine.
Molecular consequence: missense variant.
Genome position (GRCh38, 1-based): chr6:7,574,101, T>A. VCF-style: chr6-7574101-T-A. GRCh37 (hg19) VCF-style: chr6-7574334-T-A.
Other names: c.2146T>A, p.Ser716Thr (NM_001008844.3, NM_001319034.2); short protein forms S716T.
Identifiers: ClinVar variation 4788562 (VCV004788562.1).